The following is an entry in ClinVar:

ClinVar aggregate classification (germline): Uncertain significance (1 of 4 stars; one submission).

Conditions:
Hereditary spastic paraplegia 39 (SPG39). Also called: Spastic Paraplegia Type 39 (SPG39); SPASTIC PARAPLEGIA 39, AUTOSOMAL RECESSIVE. Identifiers: Orphanet 139480, MedGen C2677586, MONDO:0012787, OMIM 612020.

Allele frequency attached by ClinVar (database versions not stated): TOPMed 0.00001.
gnomAD v4.1: 1 of 1,613,380 alleles (0.000062%); highest among the groups gnomAD compares: Non-Finnish European, 0.000085%; no homozygotes.

Submission:

Labcorp Genetics (formerly Invitae), Labcorp
Classification: Uncertain significance for Hereditary spastic paraplegia 39. Last evaluated: 2022-06-20. Review status: criteria provided, single submitter. Criteria: Invitae Variant Classification Sherloc (09022015). Collection method: clinical testing. Allele origin: germline.
Comment: This sequence change replaces serine, which is neutral and polar, with threonine, which is neutral and polar, at codon 455 of the PNPLA6 protein (p.Ser455Thr). This variant is not present in population databases (gnomAD no frequency). In summary, the available evidence is currently insufficient to determine the role of this variant in disease. Therefore, it has been classified as a Variant of Uncertain Significance. Algorithms developed to predict the effect of missense changes on protein structure and function (SIFT, PolyPhen-2, Align-GVGD) all suggest that this variant is likely to be tolerated. This variant has not been reported in the literature in individuals affected with PNPLA6-related conditions.

NM_001166114.2(PNPLA6):c.1481G>C (p.Ser494Thr)

Gene: PNPLA6 (patatin like domain 6, lysophospholipase; plus strand). Cytogenetic location: 19p13.2.
Variant type: single nucleotide variant.
Coding change: c.1481G>C on transcript NM_001166114.2 (MANE Select); coding-DNA position 1481, G replaced by C.
Protein change: p.Ser494Thr; replaces serine 494 with threonine.
Molecular consequence: missense variant.
Genome position (GRCh38, 1-based): chr19:7,542,879, G>C. VCF-style: chr19-7542879-G-C. GRCh37 (hg19) VCF-style: chr19-7607765-G-C.
Other names: c.1508G>C, p.Ser503Thr (NM_001166111.2); c.1364G>C, p.Ser455Thr (NM_001166112.2, NM_001166113.1, NM_006702.5); short protein forms S455T, S494T, S503T.
Identifiers: ClinVar variation 2165765 (VCV002165765.4), dbSNP rs765659725, ClinGen allele CA403114042.